The following is an entry in ClinVar:

ClinVar aggregate classification (germline): Uncertain significance. Review status: criteria provided, multiple submitters, no conflicts (2 of 4 stars). 3 submissions from 3 submitters: Uncertain significance (3). Last evaluated 2026-02-27.

Conditions:
Muscular dystrophy-dystroglycanopathy (congenital with brain and eye anomalies), type a, 12 (MDDGA12). Also called: WALKER-WARBURG SYNDROME OR MUSCLE-EYE-BRAIN DISEASE, POMK-RELATED. Identifiers: Orphanet 899, MedGen C3808964, MONDO:0014101, OMIM 615249.
Limb-girdle muscular dystrophy due to POMK deficiency. Also called: Muscular dystrophy-dystroglycanopathy (limb-girdle), type c, 12; MUSCULAR DYSTROPHY-DYSTROGLYCANOPATHY, LIMB-GIRDLE, POMK-RELATED. Identifiers: Orphanet 445110, MedGen C4015184, MONDO:0014489, OMIM 616094.

Allele frequency attached by ClinVar (database versions not stated): gnomAD 0.00001; gnomAD exomes 0.00001; TOPMed 0.00003; ESP Exome Variant Server 0.00008.
gnomAD v4.1: 12 of 1,614,080 alleles (0.00074%); highest among the groups gnomAD compares: East Asian, 0.0067%; no homozygotes.

Submissions (3):

GeneDx
Classification: Uncertain significance. Last evaluated: 2026-02-27. Review status: criteria provided, single submitter. Criteria: GeneDx Variant Classification Process June 2021. Collection method: clinical testing. Allele origin: germline.
Comment: Not observed at significant frequency in large population cohorts (gnomAD); In silico analysis supports that this missense variant has a deleterious effect on protein structure/function; Has not been previously published as pathogenic or benign to our knowledge

Labcorp Genetics (formerly Invitae), Labcorp
Classification: Uncertain significance for Muscular dystrophy-dystroglycanopathy (congenital with brain and eye anomalies), type a, 12; Limb-girdle muscular dystrophy due to POMK deficiency. Last evaluated: 2022-08-31. Review status: criteria provided, single submitter. Criteria: Invitae Variant Classification Sherloc (09022015). Collection method: clinical testing. Allele origin: germline.
Comment: This sequence change replaces threonine, which is neutral and polar, with methionine, which is neutral and non-polar, at codon 174 of the POMK protein (p.Thr174Met). This variant is present in population databases (rs186128710, gnomAD 0.007%). This variant has not been reported in the literature in individuals affected with POMK-related conditions. Algorithms developed to predict the effect of missense changes on protein structure and function are either unavailable or do not agree on the potential impact of this missense change (SIFT: "Deleterious"; PolyPhen-2: "Probably Damaging"; Align-GVGD: "Class C15"). In summary, the available evidence is currently insufficient to determine the role of this variant in disease. Therefore, it has been classified as a Variant of Uncertain Significance.

Revvity Omics, Revvity
Classification: Uncertain significance. Last evaluated: 2020-01-03. Review status: criteria provided, single submitter. Criteria: ACMG Guidelines, 2015. Collection method: clinical testing. Allele origin: germline.

NM_032237.5(POMK):c.521C>T (p.Thr174Met)

Gene: POMK (protein O-mannose kinase; plus strand). Cytogenetic location: 8p11.21.
Variant type: single nucleotide variant.
Coding change: c.521C>T on transcript NM_032237.5 (MANE Select); coding-DNA position 521, C replaced by T.
Protein change: p.Thr174Met; replaces threonine 174 with methionine.
Molecular consequence: missense variant.
Genome position (GRCh38, 1-based): chr8:43,122,345, C>T. VCF-style: chr8-43122345-C-T. GRCh37 (hg19) VCF-style: chr8-42977488-C-T.
Other names: c.521C>T (NM_032237.4); c.521C>T, p.Thr174Met (NM_001277971.2); short protein forms T174M.
Identifiers: ClinVar variation 2061150 (VCV002061150.5), dbSNP rs186128710, ClinGen allele CA176079968.
Genomic context (GRCh38, chr8:43,122,345, plus strand): 5'-TAGGTTCCTTGAGTAACCTGGAAGAAACACTAAACCTTTCAAAGTACCAAAATGTGAACA[C>T]GTGGCAGCACAGGCTGGAGCTGGCCATGGACTATGTCAGCATCATTAATTACCTGCACCA-3'
Protein context (NP_115613.1, residues 164-184): LNLSKYQNVN[Thr174Met]WQHRLELAMD